The following is an entry in ClinVar:

NM_014625.4(NPHS2):c.593A>C (p.Glu198Ala)

Gene: NPHS2 (NPHS2 stomatin family member, podocin; minus strand). Cytogenetic location: 1q25.2.
Variant type: single nucleotide variant.
Coding change: c.593A>C on transcript NM_014625.4 (MANE Select); coding-DNA position 593, A replaced by C.
Protein change: p.Glu198Ala; replaces glutamic acid 198 with alanine.
Molecular consequence: missense variant. On other transcripts: intron variant (1).
Genome position (GRCh38, 1-based): chr1:179,557,172, T>G on the plus strand (A>C on the coding strand, the complement: NPHS2 is on the minus strand). VCF-style: chr1-179557172-T-G. GRCh37 (hg19) VCF-style: chr1-179526307-T-G.
Other names: c.534+2507A>C (NM_001297575.2); short protein forms E198A.
Identifiers: ClinVar variation 2677341 (VCV002677341.2), dbSNP rs2526273309, ClinGen allele CA343568069.

ClinVar aggregate classification (germline): Likely pathogenic. Review status: criteria provided, multiple submitters, no conflicts (2 of 4 stars). 2 submissions from 2 submitters: Likely pathogenic (2). Last evaluated 2025-05-19.

Conditions:
Nephrotic syndrome, type 2 (NPHS2). Also called: NEPHROTIC SYNDROME, STEROID-RESISTANT, AUTOSOMAL RECESSIVE. Identifiers: Orphanet 656, MedGen C1868672, MONDO:0010974, OMIM 600995.

gnomAD v4.1: 2 of 1,614,074 alleles (0.00012%); highest among the groups gnomAD compares: East Asian, 0.0022%; no homozygotes.

Submissions (2):

Myriad Genetics, Inc.
Classification: Likely pathogenic for Nephrotic syndrome, type 2. Last evaluated: 2025-05-19. Review status: criteria provided, single submitter. Criteria: Myriad Autosomal Dominant, Autosomal Recessive and X-Linked Classification Criteria (2023). Collection method: clinical testing. Allele origin: unknown.
Comment: NM_014625.2(NPHS2):c.593A>C(E198A) is a missense variant classified as likely pathogenic in the context of nephrotic syndrome, NPHS2-related. E198A has been observed in cases with relevant disease (PMID: 18216321, 34631609, 35755072, 30076350, 25349199, 20798252). Relevant functional assessments of this variant are not available in the literature. E198A has not been observed in referenced population frequency databases. In summary, NM_014625.2(NPHS2):c.593A>C(E198A) is a missense variant that has been observed more frequently in cases with the relevant disease than in healthy populations. Please note: this variant was assessed in the context of healthy population screening.

Baylor Genetics
Classification: Likely pathogenic for Nephrotic syndrome, type 2. Last evaluated: 2023-10-17. Review status: criteria provided, single submitter. Criteria: ACMG Guidelines, 2015. Collection method: clinical testing. Allele origin: unknown.

Literature cited by the submitters: PubMed 18216321 (cited by Myriad Genetics, Inc.); PubMed 20798252 (cited by Myriad Genetics, Inc.); PubMed 25349199 (cited by Myriad Genetics, Inc.); PubMed 30076350 (cited by Myriad Genetics, Inc.); PubMed 34631609 (cited by Myriad Genetics, Inc.); PubMed 35755072 (cited by Myriad Genetics, Inc.).